The following is an entry in ClinVar:

NM_015557.3(CHD5):c.4540-6C>T

Gene: CHD5 (chromodomain helicase DNA binding protein 5; minus strand). Cytogenetic location: 1p36.31.
Variant type: single nucleotide variant.
Coding change: c.4540-6C>T on transcript NM_015557.3 (MANE Select); 6 bases into the intron before coding-DNA position 4540, C replaced by T.
Molecular consequence: intron variant.
Genome position (GRCh38, 1-based): chr1:6,124,113, G>A on the plus strand (C>T on the coding strand, the complement: CHD5 is on the minus strand). VCF-style: chr1-6124113-G-A. GRCh37 (hg19) VCF-style: chr1-6184173-G-A.
Identifiers: ClinVar variation 3344253 (VCV003344253.1).

ClinVar aggregate classification (germline): Uncertain significance (0 of 4 stars; one submission).

Conditions:
CHD5-related disorder. Also called: CHD5-related condition.

Submission:

PreventionGenetics, part of Exact Sciences
Classification: Uncertain significance for CHD5-related condition. Last evaluated: 2024-06-20. Review status: no assertion criteria provided. Collection method: clinical testing. Allele origin: germline.
Comment: The CHD5 c.4540-6C>T variant is predicted to interfere with splicing. This variant is predicted to alter splicing based on available splicing prediction software (SpliceAI, Jaganathan et al. 2019. PubMed ID: 30661751). However, the use of computer prediction softwares is not equivalent to functional evidence. To our knowledge, this variant has not been reported in the literature or in a large population database, indicating this variant is rare. At this time, the clinical significance of this variant is uncertain due to the absence of conclusive functional and genetic evidence.